The following is an entry in ClinVar:

ClinVar aggregate classification (germline): Uncertain significance (1 of 4 stars; one submission).

Submission:

GeneDx
Classification: Uncertain significance. Last evaluated: 2023-12-10. Review status: criteria provided, single submitter. Criteria: GeneDx Variant Classification Process June 2021. Collection method: clinical testing. Allele origin: germline. Affected: yes.
Comment: Has not been previously published as pathogenic or benign to our knowledge; Not observed at significant frequency in large population cohorts (gnomAD); In silico analysis supports that this missense variant has a deleterious effect on protein structure/function; This variant is associated with the following publications: (PMID: 22982744)

NM_001365902.3(NFIX):c.209A>G (p.Lys70Arg)

Gene: NFIX (nuclear factor I X; plus strand). Cytogenetic location: 19p13.13.
Variant type: single nucleotide variant.
Coding change: c.209A>G on transcript NM_001365902.3 (MANE Select); coding-DNA position 209, A replaced by G.
Protein change: p.Lys70Arg; replaces lysine 70 with arginine.
Molecular consequence: missense variant.
Genome position (GRCh38, 1-based): chr19:13,025,202, A>G. VCF-style: chr19-13025202-A-G. GRCh37 (hg19) VCF-style: chr19-13136016-A-G.
Other names: c.233A>G, p.Lys78Arg (NM_001271043.2); c.185A>G, p.Lys62Arg (NM_001271044.3, NM_001378404.1); c.209A>G, p.Lys70Arg (NM_001365982.2, NM_002501.4); c.68A>G, p.Lys23Arg (NM_001365983.2); c.206A>G, p.Lys69Arg (NM_001365984.2, NM_001365985.2); c.257A>G, p.Lys86Arg (NM_001378405.1); short protein forms K23R, K62R, K69R, K70R, K78R, K86R.
Identifiers: ClinVar variation 3253134 (VCV003253134.1), dbSNP rs2013235237.